The following is an entry in ClinVar:

NM_006648.4(WNK2):c.2873C>G (p.Pro958Arg)

Gene: WNK2 (WNK lysine deficient protein kinase 2; plus strand). Cytogenetic location: 9q22.31.
Variant type: single nucleotide variant.
Coding change: c.2873C>G on transcript NM_006648.4 (MANE Select); coding-DNA position 2873, C replaced by G.
Protein change: p.Pro958Arg; replaces proline 958 with arginine.
Molecular consequence: missense variant.
Genome position (GRCh38, 1-based): chr9:93,259,421, C>G. VCF-style: chr9-93259421-C-G. GRCh37 (hg19) VCF-style: chr9-96021703-C-G.
Other names: c.2873C>G, p.Pro958Arg (NM_001282394.3); short protein forms P958R.
Identifiers: ClinVar variation 4201901 (VCV004201901.1).

ClinVar aggregate classification (germline): Uncertain significance (1 of 4 stars; one submission).

Submission:

Ambry Genetics
Classification: Uncertain significance. Last evaluated: 2025-09-13. Review status: criteria provided, single submitter. Criteria: Ambry Variant Classification Scheme 2023. Collection method: clinical testing. Allele origin: germline.
Comment: The p.P958R variant (also known as c.2873C>G), located in coding exon 11 of the WNK2 gene, results from a C to G substitution at nucleotide position 2873. The proline at codon 958 is replaced by arginine, an amino acid with dissimilar properties. This amino acid position is conserved. In addition, this alteration is predicted to be tolerated by in silico analysis. Based on the available evidence, the clinical significance of this variant remains unclear.